The following is an entry in ClinVar:

ClinVar aggregate classification (germline): Likely benign (1 of 4 stars; one submission).

Conditions:
KMT2D-related disorder. Also called: KMT2D-Related Disorders.

Submission:

PreventionGenetics, part of Exact Sciences
Classification: Likely benign for KMT2D-related condition. Last evaluated: 2024-10-07. Review status: criteria provided, single submitter. Criteria: ACMG Guidelines, 2015. Collection method: clinical testing. Allele origin: germline.
Comment: This variant is classified as likely benign based on ACMG/AMP sequence variant interpretation guidelines (Richards et al. 2015 PMID: 25741868, with internal and published modifications).

NM_003482.4(KMT2D):c.15921A>G (p.Ser5307=)

Gene: KMT2D (lysine methyltransferase 2D; minus strand). Cytogenetic location: 12q13.12.
Variant type: single nucleotide variant.
Coding change: c.15921A>G on transcript NM_003482.4 (MANE Select); coding-DNA position 15921, A replaced by G.
Protein change: p.Ser5307=; no amino-acid change (serine 5307 retained).
Molecular consequence: synonymous variant.
Genome position (GRCh38, 1-based): chr12:49,024,810, T>C on the plus strand (A>G on the coding strand, the complement: KMT2D is on the minus strand). VCF-style: chr12-49024810-T-C. GRCh37 (hg19) VCF-style: chr12-49418593-T-C.
Identifiers: ClinVar variation 5001432 (VCV005001432.1).